The following is an entry in ClinVar:

NM_014956.5(CEP164):c.1409+2T>C

Gene: CEP164 (centrosomal protein 164; plus strand). Cytogenetic location: 11q23.3.
Variant type: single nucleotide variant.
Coding change: c.1409+2T>C on transcript NM_014956.5 (MANE Select); the canonical splice donor site of the intron after coding-DNA position 1409, T replaced by C.
Molecular consequence: splice donor variant. On other transcripts: missense variant (1).
Genome position (GRCh38, 1-based): chr11:117,380,707, T>C. VCF-style: chr11-117380707-T-C. GRCh37 (hg19) VCF-style: chr11-117251423-T-C.
Other names: c.1411T>C, p.Tyr471His (NM_001271933.2); short protein forms Y471H.
Identifiers: ClinVar variation 2130675 (VCV002130675.4), dbSNP rs1222305871, ClinGen allele CA382741859.
Genomic context (GRCh38, chr11:117,380,707, plus strand): 5'-GACAGCCAGTCCAGCCAAGATGAGCTGCAGAGCAAGCAGTCCAAAGGCCTGGAGGAGAGG[T>C]ACCATAGGTGGGAGGCTATCCCCAGCGCTGTGCCTTCAGGGTGGTGTGGACTTGGGCAGA-3'

ClinVar aggregate classification (germline): Likely pathogenic (1 of 4 stars; one submission).

Conditions:
Nephronophthisis 15 (NPHP15). Identifiers: Orphanet 3156, MedGen C3541853, MONDO:0013917, OMIM 614845.

Submission:

Labcorp Genetics (formerly Invitae), Labcorp
Classification: Likely pathogenic for Nephronophthisis 15. Last evaluated: 2022-04-25. Review status: criteria provided, single submitter. Criteria: Invitae Variant Classification Sherloc (09022015). Collection method: clinical testing. Allele origin: germline.
Comment: This variant has not been reported in the literature in individuals affected with CEP164-related conditions. This variant is not present in population databases (gnomAD no frequency). This sequence change affects a donor splice site in intron 12 of the CEP164 gene. It is expected to disrupt RNA splicing. Variants that disrupt the donor or acceptor splice site typically lead to a loss of protein function (PMID: 16199547), and loss-of-function variants in CEP164 are known to be pathogenic (PMID: 22863007, 28125082, 32367404, 34132027, 34499853). Algorithms developed to predict the effect of sequence changes on RNA splicing suggest that this variant may disrupt the consensus splice site. In summary, the currently available evidence indicates that the variant is pathogenic, but additional data are needed to prove that conclusively. Therefore, this variant has been classified as Likely Pathogenic.

Literature cited by the submitters: PubMed 16199547; PubMed 22863007; PubMed 28125082; PubMed 32367404; PubMed 34132027; PubMed 34499853.